The following is an entry in ClinVar:

NM_006118.4(HAX1):c.505-9C>T

Gene: HAX1 (HCLS1 associated protein X-1; plus strand). Cytogenetic location: 1q21.3.
Variant type: single nucleotide variant.
Coding change: c.505-9C>T on transcript NM_006118.4 (MANE Select); 9 bases into the intron before coding-DNA position 505, C replaced by T.
Molecular consequence: intron variant.
Genome position (GRCh38, 1-based): chr1:154,274,941, C>T. VCF-style: chr1-154274941-C-T. GRCh37 (hg19) VCF-style: chr1-154247417-C-T.
Other names: c.361-9C>T (NM_001018837.2).
Identifiers: ClinVar variation 762554 (VCV000762554.15), dbSNP rs779604569, ClinGen allele CA1127371.

ClinVar aggregate classification (germline): Likely benign. Review status: criteria provided, single submitter (1 of 4 stars). 3 submissions from 3 submitters: Likely benign (1). 2 of the submissions do not count toward it. Last evaluated 2026-01-07.

Conditions:
HAX1-related disorder. Also called: HAX1-related condition.
Kostmann syndrome (SCN3). Also called: KOSTMANN DISEASE; Autosomal recessive severe congenital neutropenia type 3. Identifiers: Orphanet 99749, MedGen C5235141, MONDO:0012548, OMIM 610738.

Allele frequency attached by ClinVar (database versions not stated): gnomAD 0.00001; gnomAD exomes 0.00001 and 0.00006; TOPMed 0.00001; ExAC 0.00004.
gnomAD v4.1: 17 of 1,605,158 alleles (0.0011%); highest among the groups gnomAD compares: East Asian, 0.029%; no homozygotes.

Submissions (3):

Labcorp Genetics (formerly Invitae), Labcorp
Classification: Likely benign for Kostmann syndrome. Last evaluated: 2026-01-07. Review status: criteria provided, single submitter. Criteria: Invitae Variant Classification Sherloc (09022015). Collection method: clinical testing. Allele origin: germline.

PreventionGenetics, part of Exact Sciences
Classification: Likely benign for HAX1-related condition. Last evaluated: 2022-11-03. Review status: no assertion criteria provided. Collection method: clinical testing. Allele origin: germline. Not counted in ClinVar's aggregate classification.
Comment: This variant is classified as likely benign based on ACMG/AMP sequence variant interpretation guidelines (Richards et al. 2015 PMID: 25741868, with internal and published modifications).

Natera, Inc.
Classification: Likely benign for Autosomal recessive severe congenital neutropenia type 3. Last evaluated: 2021-01-13. Review status: no assertion criteria provided. Collection method: clinical testing. Allele origin: germline. Not counted in ClinVar's aggregate classification.